The following is an entry in ClinVar:

ClinVar aggregate classification (germline): Conflicting classifications of pathogenicity. Review status: criteria provided, conflicting classifications (1 of 4 stars). 7 submissions from 7 submitters: Uncertain significance (1); Benign (1); Likely benign (2). 3 of the submissions do not count toward it. Last evaluated 2026-01-26.

Conditions:
SP110-related disorder. Also called: SP110-related condition.
Mycobacterium tuberculosis, susceptibility to. Identifiers: MedGen C1834752, OMIM 607948.
Hepatic veno-occlusive disease-immunodeficiency syndrome. Also called: Hepatic Veno-Occlusive Disease with Immunodeficiency. Identifiers: Orphanet 79124, MedGen C1856128, MONDO:0009338, OMIM 235550. Disease mechanism: loss of function.

Allele frequency attached by ClinVar (database versions not stated): 1000 Genomes Project 0.00080; 1000 Genomes Project 30x 0.00109; gnomAD 0.00188; TOPMed 0.00209; ESP Exome Variant Server 0.00331.
gnomAD v4.1: 4,357 of 1,586,492 alleles (0.27%); highest among the groups gnomAD compares: Non-Finnish European, 0.35%; 10 homozygotes.

Submissions (11):

Labcorp Genetics (formerly Invitae), Labcorp
Classification: Benign for Hepatic veno-occlusive disease-immunodeficiency syndrome. Last evaluated: 2026-01-26. Review status: criteria provided, single submitter. Criteria: Invitae Variant Classification Sherloc (09022015). Collection method: clinical testing. Allele origin: germline.

Blueprint Genetics
Classification: Likely benign. Last evaluated: 2024-11-14. Review status: criteria provided, single submitter. Criteria: ACMG Guidelines, 2015. Collection method: clinical testing. Allele origin: germline.

Illumina Laboratory Services, Illumina
Classification: Likely benign for Hepatic veno-occlusive disease-immunodeficiency syndrome. Last evaluated: 2018-01-13. Review status: criteria provided, single submitter. Criteria: ICSL Variant Classification Criteria 13 December 2019. Collection method: clinical testing. Allele origin: germline.
Comment: This variant was observed in the ICSL laboratory as part of a predisposition screen in an ostensibly healthy population. It had not been previously curated by ICSL or reported in the Human Gene Mutation Database (HGMD: prior to June 1st, 2018), and was therefore a candidate for classification through an automated scoring system. Utilizing variant allele frequency, disease prevalence and penetrance estimates, and inheritance mode, an automated score was calculated to assess if this variant is too frequent to cause the disease. Based on the score and internal cut-off values, a variant classified as likely benign is not then subjected to further curation. The score for this variant resulted in a classification of likely benign for this disease.

Center for Genomics, Ann and Robert H. Lurie Children's Hospital of Chicago
Classification: Uncertain significance for Mycobacterium tuberculosis, susceptibility to; Hepatic veno-occlusive disease-immunodeficiency syndrome. Review status: criteria provided, single submitter. Criteria: ACMG Guidelines, 2015. Collection method: clinical testing. Allele origin: germline.
Comment: SP110 NM_004509.3 exon 5 c.584-10C>G: This variant has not been reported in the literature but is present in 0.3% (446/128970) of European alleles in the Genome Aggregation Database. This variant is present in ClinVar (Variation ID:334913). Evolutionary conservation and computational predictive tools for this variant are limited or unavailable. This variant is an intronic variant with no predicted change in the amino acid sequence but may have an unknown effect on splicing. Further studies are needed to understand its impact. In summary, data on this variant is insufficient for disease classification. Therefore, the clinical significance of this variant is uncertain.

PreventionGenetics, part of Exact Sciences
Classification: Likely benign for SP110-related condition. Last evaluated: 2023-10-16. Review status: no assertion criteria provided. Collection method: clinical testing. Allele origin: germline. Not counted in ClinVar's aggregate classification.
Comment: This variant is classified as likely benign based on ACMG/AMP sequence variant interpretation guidelines (Richards et al. 2015 PMID: 25741868, with internal and published modifications).

Clinical Genetics DNA and cytogenetics Diagnostics Lab, Erasmus MC, Erasmus Medical Center
Classification: Likely benign. Review status: no assertion criteria provided. Collection method: clinical testing. Allele origin: germline. Affected: yes. Study: VKGL Data-share Consensus. Not counted in ClinVar's aggregate classification.

Dr. Peter K. Rogan Lab, Western University
No classification provided (evidence only). Condition: Clear cell carcinoma of kidney. Review status: no classification provided. Collection method: in vitro. Allele origin: not applicable. Functional consequence: retained intron. Not counted in ClinVar's aggregate classification.

Dr. Peter K. Rogan Lab, Western University
No classification provided (evidence only). Condition: Lung cancer. Review status: no classification provided. Collection method: in vitro. Allele origin: not applicable. Functional consequence: retained intron. Not counted in ClinVar's aggregate classification.

Dr. Peter K. Rogan Lab, Western University
No classification provided (evidence only). Condition: Acute myeloid leukemia. Review status: no classification provided. Collection method: in vitro. Allele origin: not applicable. Functional consequence: retained intron. Not counted in ClinVar's aggregate classification.

Dr. Peter K. Rogan Lab, Western University
No classification provided (evidence only). Condition: Ovarian cancer. Review status: no classification provided. Collection method: in vitro. Allele origin: not applicable. Functional consequence: retained intron. Not counted in ClinVar's aggregate classification.

Genome Diagnostics Laboratory, University Medical Center Utrecht
Classification: Likely benign. Review status: no assertion criteria provided. Collection method: clinical testing. Allele origin: germline. Affected: yes. Study: VKGL Data-share Consensus. Not counted in ClinVar's aggregate classification.

NM_080424.4(SP110):c.584-10C>G

Genes: SP110 (SP110 nuclear body protein; minus strand), SP140 (SP140 nuclear body protein; plus strand). Cytogenetic location: 2q37.1.
Variant type: single nucleotide variant.
Coding change: c.584-10C>G on transcript NM_080424.4 (MANE Select); 10 bases into the intron before coding-DNA position 584, C replaced by G.
Molecular consequence: intron variant.
Genome position (GRCh38, 1-based): chr2:230,212,440, G>C on the plus strand (C>G on the coding strand, the complement: SP110 is on the minus strand). VCF-style: chr2-230212440-G-C. GRCh37 (hg19) VCF-style: chr2-231077155-G-C.
Other names: c.602-10C>G (NM_001378446.1, NM_001378445.1, NM_001378442.1 and 2 more transcripts); c.584-10C>G (NM_004509.5, NM_001378443.1, NM_001378447.1 and 1 more transcripts).
Identifiers: ClinVar variation 334913 (VCV000334913.24), dbSNP rs148591984, ClinGen allele CA2154787.